The following is an entry in ClinVar:

ClinVar aggregate classification (germline): Likely pathogenic (1 of 4 stars; one submission).

Conditions:
Familial thoracic aortic aneurysm and aortic dissection (TAAD). Also called: Thoracic aortic aneurysms and dissections. Identifiers: Orphanet 91387, MedGen C4707243, MONDO:0019625.
Marfan syndrome (MFS). Also called: FBN1-Related Marfan Syndrome; Marfan syndrome type 1; Marfan's syndrome; Marfan syndrome, classic; MARFAN SYNDROME, TYPE I. Identifiers: Orphanet 284963, Orphanet 558, MedGen C0024796, MONDO:0007947, OMIM 154700.

Submission:

Labcorp Genetics (formerly Invitae), Labcorp
Classification: Likely pathogenic for Marfan syndrome; Familial thoracic aortic aneurysm and aortic dissection. Last evaluated: 2018-04-05. Review status: criteria provided, single submitter. Criteria: Invitae Variant Classification Sherloc (09022015). Collection method: clinical testing. Allele origin: germline.
Comment: Several different truncating variants downstream from this event (c.8556delC, p.Tyr2853Thrfs*10; c.8571dupA, p.Leu2858Thrfs*3; c.8599C>T, p.Gln2867*) have been observed in unrelated individuals with Marfan syndrome (PMID: 25101912, 26410935, 19293843). This suggests that the residues downstream are critical for FBN1 protein function and that other truncating variants that do not result in nonsense mediated decay may also be pathogenic. In summary, the currently available evidence indicates that the variant is pathogenic, but additional data are needed to prove that conclusively. Therefore, this variant has been classified as Likely Pathogenic. This variant has not been reported in the literature in individuals with FBN1-related disease. This variant is not present in population databases (ExAC no frequency). This sequence change results in a premature translational stop signal in the FBN1 gene (p.Ile2777Serfs*2). While this is not anticipated to result in nonsense mediated decay, it is expected to disrupt the last 95 amino acids of the FBN1 protein.

Literature cited by the submitters: PubMed 25101912; PubMed 26410935; PubMed 19293843.

NM_000138.5(FBN1):c.8329del (p.Ile2777fs)

Gene: FBN1 (fibrillin 1; minus strand). Cytogenetic location: 15q21.1.
Variant type: Deletion.
Coding change: c.8329del on transcript NM_000138.5 (MANE Select); coding-DNA position 8329, one base deleted (A; older notation c.8329delA).
Protein change: p.Ile2777fs; shifts the reading frame from isoleucine 2777.
Molecular consequence: frameshift variant.
Genome position (GRCh38, 1-based): chr15:48,411,277, T deleted on the plus strand (A on the coding strand, the reverse complement: FBN1 is on the minus strand); the first of 2 consecutive T bases (chr15:48,411,277-48,411,278); deleting either gives the same sequence. VCF-style (leftmost placement, unchanged base first): chr15-48411276-AT-A. GRCh37 (hg19) VCF-style: chr15-48703473-AT-A.
Other names: c.8329delA (NM_000138.4); short protein forms I2777fs.
Identifiers: ClinVar variation 569062 (VCV000569062.8), dbSNP rs1566888689, ClinGen allele CA891844269.
Genomic context (GRCh38, chr15:48,411,276, plus strand): 5'-GATTCGATCAAGTATCTGTTGTGATTCGTCAGAGTTGTAAGAGCTGGAAGGAGTTCTAGG[AT>A]TCGAACCTTGTTACTGACGTGGGAAATATTGAAAGCAAAGATGGCTGTCTTCTCAACATC-3'